The following is an entry in ClinVar:

ClinVar aggregate classification (germline): Likely benign (0 of 4 stars; one submission).

Conditions:
SHROOM2-related disorder. Also called: SHROOM2-related condition.

Submission:

PreventionGenetics, part of Exact Sciences
Classification: Likely benign for SHROOM2-related condition. Last evaluated: 2019-06-25. Review status: no assertion criteria provided. Collection method: clinical testing. Allele origin: germline.
Comment: This variant is classified as likely benign based on ACMG/AMP sequence variant interpretation guidelines (Richards et al. 2015 PMID: 25741868, with internal and published modifications).

NM_001649.4(SHROOM2):c.960T>A (p.Pro320=)

Gene: SHROOM2 (shroom family member 2; plus strand). Cytogenetic location: Xp22.2.
Variant type: single nucleotide variant.
Coding change: c.960T>A on transcript NM_001649.4 (MANE Select); coding-DNA position 960, T replaced by A.
Protein change: p.Pro320=; no amino-acid change (proline 320 retained).
Molecular consequence: synonymous variant.
Genome position (GRCh38, 1-based): chrX:9,894,868, T>A. VCF-style: chrX-9894868-T-A. GRCh37 (hg19) VCF-style: chrX-9862908-T-A.
Identifiers: ClinVar variation 3042475 (VCV003042475.2), dbSNP rs2518713715, ClinGen allele CA515371795.